The following is an entry in ClinVar:

NM_001206744.2(TPO):c.670_672del (p.Asp224del)

Gene: TPO (thyroid peroxidase; plus strand). Cytogenetic location: 2p25.3.
Variant type: Deletion.
Coding change: c.670_672del on transcript NM_001206744.2 (MANE Select); coding-DNA positions 670 to 672, 3 bases deleted (GAC; older notation c.670_672delGAC).
Protein change: p.Asp224del; deletes aspartic acid 224.
Molecular consequence: inframe deletion.
Genome position (GRCh38, 1-based): chr2:1,456,133-1,456,135, GAC deleted. VCF-style (leftmost placement, unchanged base first): chr2-1456132-TGAC-T. GRCh37 (hg19) VCF-style: chr2-1459904-TGAC-T.
Other names: c.670_672del, p.Asp224del (NM_000547.6, NM_001206745.2, NM_175719.4 and 2 more transcripts); c.670_672del (NM_000547.5); short protein forms D224del.
Identifiers: ClinVar variation 2734126 (VCV002734126.6), dbSNP rs772164623, ClinGen allele CA1511530.
Genomic context (GRCh38, chr2:1,456,132, plus strand): 5'-CCAGGTCCGGGAGGTGACAAGACATGTCATTCAAGTTTCAAATGAGGTTGTCACAGATGA[TGAC>T]CGCTATTCTGACCTCCTGATGGCATGGGGACAATACATCGACCACGACATCGCGTTCACA-3'

ClinVar aggregate classification (germline): Pathogenic/Likely pathogenic. Review status: criteria provided, multiple submitters, no conflicts (2 of 4 stars). 3 submissions from 3 submitters: Pathogenic (2); Likely pathogenic (1). Last evaluated 2024-06-22.

Conditions:
Deficiency of iodide peroxidase (TDH2A). Also called: THYROID PEROXIDASE DEFICIENCY; HYPOTHYROIDISM, CONGENITAL, DUE TO DYSHORMONOGENESIS, 2A; IODIDE PEROXIDASE DEFICIENCY; THYROID HORMONOGENESIS, GENETIC DEFECT IN, 2A; Thyroid dyshormonogenesis 2A. Identifiers: Orphanet 95716, MedGen C1291299, MONDO:0010133, OMIM 274500.

Allele frequency attached by ClinVar (database versions not stated): gnomAD exomes 0.00001; gnomAD 0.00002; TOPMed 0.00002; ExAC 0.00005; 1000 Genomes Project 30x 0.00047.

Submissions (3):

Fulgent Genetics
Classification: Pathogenic for Deficiency of iodide peroxidase. Last evaluated: 2024-06-22. Review status: criteria provided, single submitter. Criteria: ACMG Guidelines, 2015. Collection method: clinical testing. Allele origin: germline.

Labcorp Genetics (formerly Invitae), Labcorp
Classification: Pathogenic. Last evaluated: 2023-12-20. Review status: criteria provided, single submitter. Criteria: Invitae Variant Classification Sherloc (09022015). Collection method: clinical testing. Allele origin: germline.
Comment: This variant, c.670_672del, results in the deletion of 1 amino acid(s) of the TPO protein (p.Asp224del), but otherwise preserves the integrity of the reading frame. This variant is present in population databases (rs772164623, gnomAD 0.08%). This variant has been observed in individual(s) with clinical features of thyroid dyshormonogenesis (PMID: 25564141, 28867693, 32078117, 32088313). In at least one individual the data is consistent with being in trans (on the opposite chromosome) from a pathogenic variant. It has also been observed to segregate with disease in related individuals. Algorithms developed to predict the effect of variants on protein structure and function are not available or were not evaluated for this variant. Experimental studies have shown that this variant affects TPO function (PMID: 28867693, 32078117). For these reasons, this variant has been classified as Pathogenic.

Juno Genomics, Hangzhou Juno Genomics, Inc
Classification: Likely pathogenic for Deficiency of iodide peroxidase. Review status: criteria provided, single submitter. Criteria: ACMG Guidelines, 2015. Collection method: clinical testing. Allele origin: germline. Affected: yes.
Comment: Absent from controls (or at extremely low frequency if recessive) in Genome Aggregation Database, Exome Sequencing Project, 1000 Genomes Project, or Exome Aggregation Consortium.;For recessive disorders, detected in trans with a pathogenic variant.;Patient's phenotype or family history is highly specific for a disease with a single genetic etiology.;Protein length changes due to in-frame deletions/insertions in a non-repeat region or stop-loss variants.

Literature cited by the submitters: PubMed 25564141 (cited by Labcorp Genetics (formerly Invitae), Labcorp); PubMed 28867693 (cited by Labcorp Genetics (formerly Invitae), Labcorp); PubMed 32078117 (cited by Labcorp Genetics (formerly Invitae), Labcorp); PubMed 32088313 (cited by Labcorp Genetics (formerly Invitae), Labcorp).